The following is an entry in ClinVar:

ClinVar aggregate classification (germline): Uncertain significance (1 of 4 stars; one submission).

Conditions:
Inborn genetic diseases. Identifiers: MedGen C0950123, MeSH D030342.

Submission:

Ambry Genetics
Classification: Uncertain significance for Inborn genetic diseases. Last evaluated: 2022-02-06. Review status: criteria provided, single submitter. Criteria: Ambry Variant Classification Scheme 2023. Collection method: clinical testing. Allele origin: germline.
Comment: The p.L399R variant (also known as c.1196T>G), located in coding exon 12 of the ERCC2 gene, results from a T to G substitution at nucleotide position 1196. The leucine at codon 399 is replaced by arginine, an amino acid with dissimilar properties. This amino acid position is conserved. In addition, this alteration is predicted to be deleterious by in silico analysis. Since supporting evidence is limited at this time, the clinical significance of this alteration remains unclear.

NM_000400.4(ERCC2):c.1196T>G (p.Leu399Arg)

Gene: ERCC2 (ERCC excision repair 2, TFIIH core complex helicase subunit; minus strand). Cytogenetic location: 19q13.32.
Variant type: single nucleotide variant.
Coding change: c.1196T>G on transcript NM_000400.4 (MANE Select); coding-DNA position 1196, T replaced by G.
Protein change: p.Leu399Arg; replaces leucine 399 with arginine.
Molecular consequence: missense variant.
Genome position (GRCh38, 1-based): chr19:45,361,565, A>C on the plus strand (T>G on the coding strand, the complement: ERCC2 is on the minus strand). VCF-style: chr19-45361565-A-C. GRCh37 (hg19) VCF-style: chr19-45864823-A-C.
Other names: c.1124T>G, p.Leu375Arg (NM_001130867.2); short protein forms L399R, L375R.
Identifiers: ClinVar variation 1746166 (VCV001746166.2), dbSNP rs1158298751, ClinGen allele CA406369904.